The following is an entry in ClinVar:

NM_001349206.2(LPIN1):c.73G>A (p.Ala25Thr)

Gene: LPIN1 (lipin 1; plus strand). Cytogenetic location: 2p25.1.
Variant type: single nucleotide variant.
Coding change: c.73G>A on transcript NM_001349206.2 (MANE Select); coding-DNA position 73, G replaced by A.
Protein change: p.Ala25Thr; replaces alanine 25 with threonine.
Molecular consequence: missense variant. On other transcripts: non-coding transcript variant (1).
Genome position (GRCh38, 1-based): chr2:11,765,614, G>A. VCF-style: chr2-11765614-G-A. GRCh37 (hg19) VCF-style: chr2-11905740-G-A.
Other names: c.91G>A, p.Ala31Thr (NM_001261427.3); c.220G>A, p.Ala74Thr (NM_001261428.3, NM_001349208.2); c.73G>A, p.Ala25Thr (NM_001349199.2, NM_001349200.2, NM_001349201.2 and 5 more transcripts); c.163G>A, p.Ala55Thr (NM_001349207.2); short protein forms A31T, A25T, A55T, A74T.
Identifiers: ClinVar variation 1345359 (VCV001345359.7), dbSNP rs150673063, ClinGen allele CA1533331.

ClinVar aggregate classification (germline): Uncertain significance. Review status: criteria provided, multiple submitters, no conflicts (2 of 4 stars). 3 submissions from 3 submitters: Uncertain significance (3). Last evaluated 2023-12-06.

Conditions:
Myoglobinuria, acute recurrent, autosomal recessive. Also called: RHABDOMYOLYSIS, ACUTE RECURRENT; Myoglobinuria, recurrent, autosomal recessive; MYOGLOBINURIA, FAMILIAL PAROXYSMAL PARALYTIC. Identifiers: Orphanet 99845, MedGen C1849386, MONDO:0009992, OMIM 268200.

Allele frequency attached by ClinVar (database versions not stated): ExAC 0.00007; gnomAD 0.00013; TOPMed 0.00013; ESP Exome Variant Server 0.00015; 1000 Genomes Project 30x 0.00031.
gnomAD v4.1: 69 of 1,614,118 alleles (0.0043%); highest among the groups gnomAD compares: African/African-American, 0.032%; 1 homozygote.

Submissions (3):

Labcorp Genetics (formerly Invitae), Labcorp
Classification: Uncertain significance. Last evaluated: 2023-12-06. Review status: criteria provided, single submitter. Criteria: Invitae Variant Classification Sherloc (09022015). Collection method: clinical testing. Allele origin: germline.
Comment: This sequence change replaces alanine, which is neutral and non-polar, with threonine, which is neutral and polar, at codon 25 of the LPIN1 protein (p.Ala25Thr). This variant is present in population databases (rs150673063, gnomAD 0.04%). This variant has not been reported in the literature in individuals affected with LPIN1-related conditions. ClinVar contains an entry for this variant (Variation ID: 1345359). Advanced modeling of protein sequence and biophysical properties (such as structural, functional, and spatial information, amino acid conservation, physicochemical variation, residue mobility, and thermodynamic stability) performed at Invitae indicates that this missense variant is expected to disrupt LPIN1 protein function with a positive predictive value of 80%. In summary, the available evidence is currently insufficient to determine the role of this variant in disease. Therefore, it has been classified as a Variant of Uncertain Significance.

Clinical Genomics Laboratory, Stanford Medicine
Classification: Uncertain significance for Myoglobinuria, acute recurrent, autosomal recessive. Last evaluated: 2023-09-28. Review status: criteria provided, single submitter. Criteria: ACMG Guidelines, 2015. Collection method: clinical testing. Allele origin: germline. Observed: 1 variant allele, 1 heterozygote.

Fulgent Genetics
Classification: Uncertain significance for Myoglobinuria, acute recurrent, autosomal recessive. Last evaluated: 2022-01-27. Review status: criteria provided, single submitter. Criteria: ACMG Guidelines, 2015. Collection method: clinical testing. Allele origin: unknown.